The following is an entry in ClinVar:

NM_001198533.2(OXR1):c.561A>G (p.Ser187=)

Gene: OXR1 (oxidation resistance 1; plus strand). Cytogenetic location: 8q23.1.
Variant type: single nucleotide variant.
Coding change: c.561A>G on transcript NM_001198533.2 (MANE Select); coding-DNA position 561, A replaced by G.
Protein change: p.Ser187=; no amino-acid change (serine 187 retained).
Molecular consequence: synonymous variant.
Genome position (GRCh38, 1-based): chr8:106,692,763, A>G. VCF-style: chr8-106692763-A-G. GRCh37 (hg19) VCF-style: chr8-107704991-A-G.
Other names: c.564A>G, p.Ser188= (NM_001198532.1); c.561A>G, p.Ser187= (NM_018002.3); c.540A>G, p.Ser180= (NM_181354.4).
Identifiers: ClinVar variation 5039059 (VCV005039059.1).
Genomic context (GRCh38, chr8:106,692,763, plus strand): 5'-TCTTTCCTTTAAAAAAAAAAAAAAGAATCCTGATGTCCATCCAACAGAAGCAACTCCCTC[A>G]TCTACTTTCACTGGTATTCGACCTGCACGAGTTGTATCTTCAACTTCTGAGGAGGAGGAA-3'
Protein context (NP_001185462.1, residues 177-197): PDVHPTEATP[Ser187=]STFTGIRPAR

ClinVar aggregate classification (germline): Likely benign (1 of 4 stars; one submission).

gnomAD v4.1: 398 of 1,576,250 alleles (0.025%); highest among the groups gnomAD compares: African/African-American, 0.45%; 2 homozygotes.

Submission:

CeGaT Center for Human Genetics Tuebingen
Classification: Likely benign. Last evaluated: 2026-07-01. Review status: criteria provided, single submitter. Criteria: CeGaT Center For Human Genetics Tuebingen Variant Classification Criteria Version 2. Collection method: clinical testing. Allele origin: germline. Affected: yes. Observed: 1 variant allele.
Comment: OXR1: BP4, BP7